The following is an entry in ClinVar:

NM_016203.4(PRKAG2):c.1387G>T (p.Val463Leu)

Gene: PRKAG2 (protein kinase AMP-activated non-catalytic subunit gamma 2; minus strand). Cytogenetic location: 7q36.1.
Variant type: single nucleotide variant.
Coding change: c.1387G>T on transcript NM_016203.4 (MANE Select); coding-DNA position 1387, G replaced by T.
Protein change: p.Val463Leu; replaces valine 463 with leucine.
Molecular consequence: missense variant.
Genome position (GRCh38, 1-based): chr7:151,565,732, C>A on the plus strand (G>T on the coding strand, the complement: PRKAG2 is on the minus strand). VCF-style: chr7-151565732-C-A. GRCh37 (hg19) VCF-style: chr7-151262818-C-A.
Other names: c.664G>T, p.Val222Leu (NM_024429.2, NM_001304531.2, NM_001407034.1 and 1 more transcripts); c.1255G>T, p.Val419Leu (NM_001040633.2, NM_001407024.1); c.1012G>T, p.Val338Leu (NM_001304527.2, NM_001407029.1); c.1015G>T, p.Val339Leu (NM_001363698.2, NM_001407028.1); c.1387G>T, p.Val463Leu (NM_001407021.1); c.1384G>T, p.Val462Leu (NM_001407022.1, NM_001407023.1); c.1252G>T, p.Val418Leu (NM_001407026.1, NM_001407027.1); c.1099G>T, p.Val367Leu (NM_001407030.1); and 6 more; short protein forms V221L, V222L, V238L, V242L, V338L, V339L, V355L, V357L.
Identifiers: ClinVar variation 3898475 (VCV003898475.7).

ClinVar aggregate classification (germline): Uncertain significance (1 of 4 stars; one submission).

Submission:

CeGaT Center for Human Genetics Tuebingen
Classification: Uncertain significance. Last evaluated: 2025-04-01. Review status: criteria provided, single submitter. Criteria: CeGaT Center For Human Genetics Tuebingen Variant Classification Criteria Version 2. Collection method: clinical testing. Allele origin: germline. Affected: yes. Observed: 1 variant allele.
Comment: PRKAG2: PM2